The following is an entry in ClinVar:

ClinVar aggregate classification (germline): Uncertain significance. Review status: criteria provided, multiple submitters, no conflicts (2 of 4 stars). 3 submissions from 3 submitters: Uncertain significance (3). Last evaluated 2025-03-11.

Conditions:
Cardiomyopathy (CMYO). Also called: Cardiomyopathies. Identifiers: Orphanet 167848, MedGen C0878544, MONDO:0004994, HP:0001638. Inheritance: Various modes of inheritance.
Catecholaminergic polymorphic ventricular tachycardia 1. Also called: VENTRICULAR TACHYCARDIA, CATECHOLAMINERGIC POLYMORPHIC, 1, WITH OR WITHOUT ATRIAL DYSFUNCTION AND/OR DILATED CARDIOMYOPATHY; VENTRICULAR TACHYCARDIA, STRESS-INDUCED POLYMORPHIC 1; RYR2-Related Catecholaminergic Polymorphic Ventricular Tachycardia. Identifiers: Orphanet 3286, MedGen C1631597, MONDO:0011484, OMIM 604772.

Allele frequency attached by ClinVar (database versions not stated): gnomAD exomes below 0.00001.
gnomAD v4.1: 1 of 1,612,736 alleles (0.000062%); highest among the groups gnomAD compares: Non-Finnish European, 0.000085%; no homozygotes.

Submissions (3):

GeneDx
Classification: Uncertain significance. Last evaluated: 2025-03-11. Review status: criteria provided, single submitter. Criteria: GeneDx Variant Classification Process June 2021. Collection method: clinical testing. Allele origin: germline. Affected: yes.
Comment: Not observed at significant frequency in large population cohorts (gnomAD); In silico analysis supports that this missense variant has a deleterious effect on protein structure/function; Has not been previously published as pathogenic or benign to our knowledge; Not located in one of the three hot-spot regions of the RYR2 gene, where the majority of pathogenic missense variants occur (PMID: 19926015); This variant is associated with the following publications: (PMID: 19926015)

Labcorp Genetics (formerly Invitae), Labcorp
Classification: Uncertain significance for Catecholaminergic polymorphic ventricular tachycardia 1. Last evaluated: 2024-11-24. Review status: criteria provided, single submitter. Criteria: Invitae Variant Classification Sherloc (09022015). Collection method: clinical testing. Allele origin: germline.
Comment: This sequence change replaces glutamic acid, which is acidic and polar, with lysine, which is basic and polar, at codon 491 of the RYR2 protein (p.Glu491Lys). This variant is not present in population databases (gnomAD no frequency). This variant has not been reported in the literature in individuals affected with RYR2-related conditions. ClinVar contains an entry for this variant (Variation ID: 845125). Invitae Evidence Modeling of protein sequence and biophysical properties (such as structural, functional, and spatial information, amino acid conservation, physicochemical variation, residue mobility, and thermodynamic stability) has been performed for this missense variant. However, the output from this modeling did not meet the statistical confidence thresholds required to predict the impact of this variant on RYR2 protein function. In summary, the available evidence is currently insufficient to determine the role of this variant in disease. Therefore, it has been classified as a Variant of Uncertain Significance.

Color Diagnostics, LLC DBA Color Health
Classification: Uncertain significance for Cardiomyopathy. Last evaluated: 2018-12-04. Review status: criteria provided, single submitter. Criteria: ACMG Guidelines, 2015. Collection method: clinical testing. Allele origin: germline.
Comment: Variant of Uncertain Significance due to insufficient evidence: This missense variant is located in the cytoplasmic domain of the RYR2 protein. Computational prediction tools and conservation analyses suggest that this variant may have deleterious impact on the protein function. Computational splicing tools suggest that this variant may not impact RNA splicing. To our knowledge, functional assays have not been performed for this variant nor has this variant been reported in individuals affected with cardiovascular disorders in the literature. This variant is rare in the general population and has been identified in 0/277264 chromosomes by the Genome Aggregation Database (gnomAD). Available evidence is insufficient to determine the pathogenicity of this variant conclusively.

NM_001035.3(RYR2):c.1471G>A (p.Glu491Lys)

Gene: RYR2 (ryanodine receptor 2; plus strand). Cytogenetic location: 1q43.
Variant type: single nucleotide variant.
Coding change: c.1471G>A on transcript NM_001035.3 (MANE Select); coding-DNA position 1471, G replaced by A.
Protein change: p.Glu491Lys; replaces glutamic acid 491 with lysine.
Molecular consequence: missense variant.
Genome position (GRCh38, 1-based): chr1:237,454,569, G>A. VCF-style: chr1-237454569-G-A. GRCh37 (hg19) VCF-style: chr1-237617869-G-A.
Other names: short protein forms E491K.
Identifiers: ClinVar variation 845125 (VCV000845125.14), dbSNP rs1658580412, ClinGen allele CA345380774.
Genomic context (GRCh38, chr1:237,454,569, plus strand): 5'-GAGCATGAAGACAAACAGAACAGACTACGAGCCCTGAAGAATCGGCAAAATCTCTTCCAG[G>A]AAGAGGTCCGTTTCTATCAACACTCATTTCTCTTCTGTTATTCTCTTGTAAAAACAGCTT-3'
Protein context (NP_001026.2, residues 481-501): ALKNRQNLFQ[Glu491Lys]EGMINLVLEC